The following is an entry in ClinVar:

NM_001904.4(CTNNB1):c.1803+9T>C

Gene: CTNNB1 (catenin beta 1; plus strand). Cytogenetic location: 3p22.1.
Variant type: single nucleotide variant.
Coding change: c.1803+9T>C on transcript NM_001904.4 (MANE Select); 9 bases into the intron after coding-DNA position 1803, T replaced by C.
Molecular consequence: intron variant.
Genome position (GRCh38, 1-based): chr3:41,235,852, T>C. VCF-style: chr3-41235852-T-C. GRCh37 (hg19) VCF-style: chr3-41277343-T-C.
Other names: c.1803+9T>C (NM_001904.3, NM_001098209.2, NM_001098210.2); c.1782+9T>C (NM_001330729.2).
Identifiers: ClinVar variation 1602783 (VCV001602783.11), dbSNP rs752525482, ClinGen allele CA2331171.

ClinVar aggregate classification (germline): Likely benign. Review status: criteria provided, multiple submitters, no conflicts (2 of 4 stars). 3 submissions from 3 submitters: Likely benign (2). 1 of the submissions does not count toward it. Last evaluated 2025-03-23.

Conditions:
CTNNB1-related disorder. Also called: CTNNB1-related condition.

Allele frequency attached by ClinVar (database versions not stated): ExAC 0.00001; gnomAD exomes 0.00001 and 0.00003; TOPMed 0.00002; gnomAD 0.00003.
gnomAD v4.1: 52 of 1,614,020 alleles (0.0032%); highest among the groups gnomAD compares: Non-Finnish European, 0.0044%; no homozygotes.

Submissions (3):

Labcorp Genetics (formerly Invitae), Labcorp
Classification: Likely benign. Last evaluated: 2025-03-23. Review status: criteria provided, single submitter. Criteria: Invitae Variant Classification Sherloc (09022015). Collection method: clinical testing. Allele origin: germline.

Blueprint Genetics
Classification: Likely benign. Last evaluated: 2024-09-02. Review status: criteria provided, single submitter. Criteria: ACMG Guidelines, 2015. Collection method: clinical testing. Allele origin: germline.

PreventionGenetics, part of Exact Sciences
Classification: Likely benign for CTNNB1-related condition. Last evaluated: 2019-06-17. Review status: no assertion criteria provided. Collection method: clinical testing. Allele origin: germline. Not counted in ClinVar's aggregate classification.
Comment: This variant is classified as likely benign based on ACMG/AMP sequence variant interpretation guidelines (Richards et al. 2015 PMID: 25741868, with internal and published modifications).